The following is an entry in ClinVar:

NM_004655.4(AXIN2):c.2347G>C (p.Ala783Pro)

Gene: AXIN2 (axin 2; minus strand). Cytogenetic location: 17q24.1.
Variant type: single nucleotide variant.
Coding change: c.2347G>C on transcript NM_004655.4 (MANE Select); coding-DNA position 2347, G replaced by C.
Protein change: p.Ala783Pro; replaces alanine 783 with proline.
Molecular consequence: missense variant.
Genome position (GRCh38, 1-based): chr17:65,533,970, C>G on the plus strand (G>C on the coding strand, the complement: AXIN2 is on the minus strand). VCF-style: chr17-65533970-C-G. GRCh37 (hg19) VCF-style: chr17-63530088-C-G.
Other names: c.2347G>C (LRG_296t1); c.2152G>C, p.Ala718Pro (NM_001363813.1); short protein forms A783P, A718P.
Identifiers: ClinVar variation 567967 (VCV000567967.9), dbSNP rs760217787, ClinGen allele CA400675447.
Genomic context (GRCh38, chr17:65,533,970, plus strand): 5'-ACCTATAATTTCCCTTTTTGCTGAGCTGCTCTTTAAAGTGGCCCAGGGTCAAGCTCTGAG[C>G]CTTCAGCATCCTCCGGTATGGAATTTCTTCCCCACAGAAAAAGTAAGTGACAACCAACTC-3'
Protein context (NP_004646.3, residues 773-793): EEIPYRRMLK[Ala783Pro]QSLTLGHFKE

ClinVar aggregate classification (germline): Uncertain significance. Review status: criteria provided, multiple submitters, no conflicts (2 of 4 stars). 2 submissions from 2 submitters: Uncertain significance (2). Last evaluated 2025-09-14.

Conditions:
Hereditary cancer-predisposing syndrome. Also called: Neoplastic Syndromes, Hereditary; Tumor predisposition; Hereditary neoplastic syndrome; Hereditary Cancer Syndrome. Identifiers: Orphanet 140162, MedGen C0027672, MeSH D009386, MONDO:0015356.
Oligodontia-cancer predisposition syndrome. Also called: TOOTH AGENESIS-COLORECTAL CANCER SYNDROME. Identifiers: Orphanet 300576, MedGen C1837750, MONDO:0012075, OMIM 608615. Disease mechanism: loss of function.

Submissions (2):

Ambry Genetics
Classification: Uncertain significance for Hereditary cancer-predisposing syndrome. Last evaluated: 2025-09-14. Review status: criteria provided, single submitter. Criteria: Ambry Variant Classification Scheme 2023. Collection method: clinical testing. Allele origin: germline.
Comment: The p.A783P variant (also known as c.2347G>C), located in coding exon 9 of the AXIN2 gene, results from a G to C substitution at nucleotide position 2347. The alanine at codon 783 is replaced by proline, an amino acid with highly similar properties. This amino acid position is conserved. In addition, this alteration is predicted to be tolerated by in silico analysis. Based on the available evidence, the clinical significance of this variant remains unclear.

Labcorp Genetics (formerly Invitae), Labcorp
Classification: Uncertain significance for Oligodontia-cancer predisposition syndrome. Last evaluated: 2025-08-04. Review status: criteria provided, single submitter. Criteria: Invitae Variant Classification Sherloc (09022015). Collection method: clinical testing. Allele origin: germline.
Comment: This sequence change replaces alanine, which is neutral and non-polar, with proline, which is neutral and non-polar, at codon 783 of the AXIN2 protein (p.Ala783Pro). This variant is not present in population databases (gnomAD no frequency). This variant has not been reported in the literature in individuals affected with AXIN2-related conditions. ClinVar contains an entry for this variant (Variation ID: 567967). Invitae Evidence Modeling of protein sequence and biophysical properties (such as structural, functional, and spatial information, amino acid conservation, physicochemical variation, residue mobility, and thermodynamic stability) indicates that this missense variant is not expected to disrupt AXIN2 protein function with a negative predictive value of 80%. In summary, the available evidence is currently insufficient to determine the role of this variant in disease. Therefore, it has been classified as a Variant of Uncertain Significance.